The following is an entry in ClinVar:

NM_002471.4(MYH6):c.4085T>C (p.Val1362Ala)

Gene: MYH6 (myosin heavy chain 6; minus strand). Cytogenetic location: 14q11.2.
Variant type: single nucleotide variant.
Coding change: c.4085T>C on transcript NM_002471.4 (MANE Select); coding-DNA position 4085, T replaced by C.
Protein change: p.Val1362Ala; replaces valine 1362 with alanine.
Molecular consequence: missense variant.
Genome position (GRCh38, 1-based): chr14:23,388,949, A>G on the plus strand (T>C on the coding strand, the complement: MYH6 is on the minus strand). VCF-style: chr14-23388949-A-G. GRCh37 (hg19) VCF-style: chr14-23858158-A-G.
Other names: short protein forms V1362A.
Identifiers: ClinVar variation 4114849 (VCV004114849.1).
Genomic context (GRCh38, chr14:23,388,949, plus strand): 5'-ATGGCGTCCGTCTCATACTTGGTCCTCCACTGGGCCACCTCCGAGTTGGCCTTGGACAGG[A>G]CGCGCTGCAGCTCGGCCTTGGCCTCTGTCTCCTCCTCGTACTGCTCCCGCAGCAGGTCGC-3'
Protein context (NP_002462.2, residues 1352-1372): ETEAKAELQR[Val1362Ala]LSKANSEVAQ

ClinVar aggregate classification (germline): Uncertain significance (1 of 4 stars; one submission).

Conditions:
Cardiovascular phenotype. Identifiers: MedGen CN230736.

Submission:

Ambry Genetics
Classification: Uncertain significance for Cardiovascular phenotype. Last evaluated: 2025-08-28. Review status: criteria provided, single submitter. Criteria: Ambry Variant Classification Scheme 2023. Collection method: clinical testing. Allele origin: germline.
Comment: The p.V1362A variant (also known as c.4085T>C), located in coding exon 27 of the MYH6 gene, results from a T to C substitution at nucleotide position 4085. The valine at codon 1362 is replaced by alanine, an amino acid with similar properties. This amino acid position is conserved. In addition, this alteration is predicted to be tolerated by in silico analysis. Based on the available evidence, the clinical significance of this variant remains unclear.